The following is an entry in ClinVar:

NM_001013838.3(CARMIL2):c.540C>G (p.Asp180Glu)

Gene: CARMIL2 (capping protein regulator and myosin 1 linker 2; plus strand). Cytogenetic location: 16q22.1.
Variant type: single nucleotide variant.
Coding change: c.540C>G on transcript NM_001013838.3 (MANE Select); coding-DNA position 540, C replaced by G.
Protein change: p.Asp180Glu; replaces aspartic acid 180 with glutamic acid.
Molecular consequence: missense variant.
Genome position (GRCh38, 1-based): chr16:67,646,902, C>G. VCF-style: chr16-67646902-C-G. GRCh37 (hg19) VCF-style: chr16-67680805-C-G.
Other names: c.540C>G, p.Asp180Glu (NM_001317026.3); c.540C>G (NM_001013838.1); short protein forms D180E.
Identifiers: ClinVar variation 1942292 (VCV001942292.6), dbSNP rs745676569, ClinGen allele CA283201840.

ClinVar aggregate classification (germline): Uncertain significance. Review status: criteria provided, multiple submitters, no conflicts (2 of 4 stars). 2 submissions from 2 submitters: Uncertain significance (2). Last evaluated 2026-03-22.

Submissions (2):

GeneDx
Classification: Uncertain significance. Last evaluated: 2026-03-22. Review status: criteria provided, single submitter. Criteria: GeneDx Variant Classification Process June 2021. Collection method: clinical testing. Allele origin: germline.
Comment: Not observed at significant frequency in large population cohorts (gnomAD); In silico analysis supports that this missense variant has a deleterious effect on protein structure/function; Has not been previously published as pathogenic or benign to our knowledge

Labcorp Genetics (formerly Invitae), Labcorp
Classification: Uncertain significance. Last evaluated: 2022-05-17. Review status: criteria provided, single submitter. Criteria: Invitae Variant Classification Sherloc (09022015). Collection method: clinical testing. Allele origin: germline.
Comment: This sequence change replaces aspartic acid, which is acidic and polar, with glutamic acid, which is acidic and polar, at codon 180 of the CARMIL2 protein (p.Asp180Glu). This variant is not present in population databases (gnomAD no frequency). This variant has not been reported in the literature in individuals affected with CARMIL2-related conditions. Algorithms developed to predict the effect of missense changes on protein structure and function are either unavailable or do not agree on the potential impact of this missense change (SIFT: "Deleterious"; PolyPhen-2: "Benign"; Align-GVGD: "Class C0"). In summary, the available evidence is currently insufficient to determine the role of this variant in disease. Therefore, it has been classified as a Variant of Uncertain Significance.